The following is an entry in ClinVar:

ClinVar aggregate classification (germline): Pathogenic/Likely pathogenic. Review status: criteria provided, multiple submitters, no conflicts (2 of 4 stars). 2 submissions from 2 submitters: Pathogenic (1); Likely pathogenic (1). Last evaluated 2025-10-21.

Conditions:
Autoimmune lymphoproliferative syndrome type 1. Also called: AUTOIMMUNE LYMPHOPROLIFERATIVE SYNDROME, TYPE I, AUTOSOMAL DOMINANT. Identifiers: Orphanet 3261, MedGen C2717884, MONDO:0011158, OMIM 601859.

Submissions (2):

GeneDx
Classification: Likely pathogenic. Last evaluated: 2025-10-21. Review status: criteria provided, single submitter. Criteria: GeneDx Variant Classification Process June 2021. Collection method: clinical testing. Allele origin: germline.
Comment: Published functional studies suggest a damaging effect (PMID: 21490157, 30404775); In silico analysis supports that this missense variant has a deleterious effect on protein structure/function; Not observed at significant frequency in large population cohorts (gnomAD); This variant is associated with the following publications: (PMID: 21490157, 22237435, 30404775, 39060684)

Labcorp Genetics (formerly Invitae), Labcorp
Classification: Pathogenic for Autoimmune lymphoproliferative syndrome. Last evaluated: 2024-11-11. Review status: criteria provided, single submitter. Criteria: Invitae Variant Classification Sherloc (09022015). Collection method: clinical testing. Allele origin: germline.
Comment: This sequence change replaces histidine, which is basic and polar, with arginine, which is basic and polar, at codon 111 of the FAS protein (p.His111Arg). This variant is not present in population databases (gnomAD no frequency). This missense change has been observed in individuals with autoimmune lymphoproliferative syndrome (PMID: 21490157, 22237435). ClinVar contains an entry for this variant (Variation ID: 1395111). An algorithm developed to predict the effect of missense changes on protein structure and function (PolyPhen-2) suggests that this variant is likely to be tolerated. Experimental studies have shown that this missense change affects FAS function (PMID: 22237435). For these reasons, this variant has been classified as Pathogenic.

Literature cited by the submitters: PubMed 21490157 (cited by Labcorp Genetics (formerly Invitae), Labcorp); PubMed 22237435 (cited by Labcorp Genetics (formerly Invitae), Labcorp).

NM_000043.6(FAS):c.332A>G (p.His111Arg)

Gene: FAS (Fas cell surface death receptor; plus strand). Cytogenetic location: 10q23.31.
Variant type: single nucleotide variant.
Coding change: c.332A>G on transcript NM_000043.6 (MANE Select); coding-DNA position 332, A replaced by G.
Protein change: p.His111Arg; replaces histidine 111 with arginine.
Molecular consequence: missense variant. On other transcripts: non-coding transcript variant (4).
Genome position (GRCh38, 1-based): chr10:89,007,835, A>G. VCF-style: chr10-89007835-A-G. GRCh37 (hg19) VCF-style: chr10-90767592-A-G.
Other names: c.332A>G, p.His111Arg (NM_001320619.2, NM_152871.4, NM_152872.4); c.332A>G (NM_000043.4); short protein forms H111R.
Identifiers: ClinVar variation 1395111 (VCV001395111.10), dbSNP rs2133504109, ClinGen allele CA377508448.